The following is an entry in ClinVar:

ClinVar aggregate classification (germline): Conflicting classifications of pathogenicity. Review status: criteria provided, conflicting classifications (1 of 4 stars). 4 submissions from 4 submitters: Uncertain significance (1); Likely benign (3). Last evaluated 2024-03-11.

Conditions:
Classic or attenuated familial adenomatous polyposis. Identifiers: MedGen CN372698, MONDO:0021057.
Hereditary cancer-predisposing syndrome. Also called: Neoplastic Syndromes, Hereditary; Hereditary neoplastic syndrome; Tumor predisposition; Hereditary Cancer Syndrome. Identifiers: Orphanet 140162, MedGen C0027672, MeSH D009386, MONDO:0015356.
Familial adenomatous polyposis 1 (FAP1). Also called: FAMILIAL ADENOMATOUS POLYPOSIS 1, ATTENUATED; POLYPOSIS, ADENOMATOUS INTESTINAL. Identifiers: MedGen C2713442, MONDO:0021056, OMIM 175100. Disease mechanism: loss of function.

gnomAD v4.1: 1 of 1,614,208 alleles (0.000062%); no homozygotes.

Submissions (4):

Ambry Genetics
Classification: Likely benign for Hereditary cancer-predisposing syndrome. Last evaluated: 2024-03-11. Review status: criteria provided, single submitter. Criteria: Ambry Variant Classification Scheme 2023. Collection method: clinical testing. Allele origin: germline.

All of Us Research Program, National Institutes of Health
Classification: Likely benign for Classic or attenuated familial adenomatous polyposis. Last evaluated: 2023-09-04. Review status: criteria provided, single submitter. Criteria: ACMG Guidelines, 2015. Collection method: clinical testing. Allele origin: germline. Inheritance: Autosomal dominant inheritance. Observed: 1 variant allele, 1 heterozygote.
Comment: This study involves interpretation of variants in research participants for the purpose of population health screening. Participant phenotype was not available at the time of variant classification. Additional details can be found in publication PMID: 35346344, PMCID: PMC8962531

Labcorp Genetics (formerly Invitae), Labcorp
Classification: Likely benign for Familial adenomatous polyposis 1. Last evaluated: 2020-01-21. Review status: criteria provided, single submitter. Criteria: Invitae Variant Classification Sherloc (09022015). Collection method: clinical testing. Allele origin: germline.

Quest Diagnostics Nichols Institute San Juan Capistrano
Classification: Uncertain significance. Last evaluated: 2018-07-14. Review status: criteria provided, single submitter. Criteria: Quest Diagnostics criteria. Collection method: clinical testing. Allele origin: germline.

NM_000038.6(APC):c.2109A>C (p.Ala703=)

Gene: APC (APC regulator of Wnt signaling pathway; plus strand). Cytogenetic location: 5q22.2.
Variant type: single nucleotide variant.
Coding change: c.2109A>C on transcript NM_000038.6 (MANE Select); coding-DNA position 2109, A replaced by C.
Protein change: p.Ala703=; no amino-acid change (alanine 703 retained).
Molecular consequence: synonymous variant.
Genome position (GRCh38, 1-based): chr5:112,837,703, A>C. VCF-style: chr5-112837703-A-C. GRCh37 (hg19) VCF-style: chr5-112173400-A-C.
Other names: c.2109A>C, p.Ala703= (NM_001127510.3, NM_001354895.2); c.2055A>C, p.Ala685= (NM_001127511.3); c.2163A>C, p.Ala721= (NM_001354896.2); c.2139A>C, p.Ala713= (NM_001354897.2); c.2034A>C, p.Ala678= (NM_001354898.2); c.2025A>C, p.Ala675= (NM_001354899.2); c.1986A>C, p.Ala662= (NM_001354900.2); c.1932A>C, p.Ala644= (NM_001354901.2); and 5 more.
Identifiers: ClinVar variation 619766 (VCV000619766.52), dbSNP rs1561574950, ClinGen allele CA445963422.